The following is an entry in ClinVar:

NM_001122681.2(SH3BP2):c.707C>A (p.Pro236Gln)

Gene: SH3BP2 (SH3 domain binding protein 2; plus strand). Cytogenetic location: 4p16.3.
Variant type: single nucleotide variant.
Coding change: c.707C>A on transcript NM_001122681.2 (MANE Select); coding-DNA position 707, C replaced by A.
Protein change: p.Pro236Gln; replaces proline 236 with glutamine.
Molecular consequence: missense variant.
Genome position (GRCh38, 1-based): chr4:2,829,613, C>A. VCF-style: chr4-2829613-C-A. GRCh37 (hg19) VCF-style: chr4-2831340-C-A.
Other names: c.791C>A, p.Pro264Gln (NM_001145855.2); c.878C>A, p.Pro293Gln (NM_001145856.2); c.707C>A, p.Pro236Gln (NM_003023.4); short protein forms P236Q, P264Q, P293Q.
Identifiers: ClinVar variation 2095729 (VCV002095729.4), dbSNP rs2108738526, ClinGen allele CA356055963.

ClinVar aggregate classification (germline): Uncertain significance (1 of 4 stars; one submission).

Conditions:
Fibrous dysplasia of jaw (CRBM). Also called: Cherubism. Identifiers: Orphanet 184, MedGen C0008029, MONDO:0007315, OMIM 118400.

Submission:

Labcorp Genetics (formerly Invitae), Labcorp
Classification: Uncertain significance for Fibrous dysplasia of jaw. Last evaluated: 2025-01-27. Review status: criteria provided, single submitter. Criteria: Invitae Variant Classification Sherloc (09022015). Collection method: clinical testing. Allele origin: germline.
Comment: This sequence change replaces proline, which is neutral and non-polar, with glutamine, which is neutral and polar, at codon 236 of the SH3BP2 protein (p.Pro236Gln). This variant is not present in population databases (gnomAD no frequency). This variant has not been reported in the literature in individuals affected with SH3BP2-related conditions. ClinVar contains an entry for this variant (Variation ID: 2095729). Invitae Evidence Modeling of protein sequence and biophysical properties (such as structural, functional, and spatial information, amino acid conservation, physicochemical variation, residue mobility, and thermodynamic stability) has been performed for this missense variant. However, the output from this modeling did not meet the statistical confidence thresholds required to predict the impact of this variant on SH3BP2 protein function. In summary, the available evidence is currently insufficient to determine the role of this variant in disease. Therefore, it has been classified as a Variant of Uncertain Significance.